The following is an entry in ClinVar:

ClinVar aggregate classification (germline): Uncertain significance (1 of 4 stars; one submission).

Conditions:
Myofibrillar myopathy 5. Also called: Filaminopathy (type); FILAMINOPATHY, AUTOSOMAL DOMINANT. Identifiers: Orphanet 171445, MedGen C1836050, MONDO:0012289, OMIM 609524.
Distal myopathy with posterior leg and anterior hand involvement. Also called: WILLIAMS DISTAL MYOPATHY. Identifiers: Orphanet 63273, MedGen C3279722, MONDO:0013550, OMIM 614065.
Hypertrophic cardiomyopathy 26. Also called: Cardiomyopathy, familial hypertrophic, 26. Identifiers: Orphanet 75249, MedGen C4310749, MONDO:0014883, OMIM 617047.

gnomAD v4.1: 1 of 1,614,062 alleles (0.000062%); highest among the groups gnomAD compares: Admixed American, 0.0017%; no homozygotes.

Submission:

Labcorp Genetics (formerly Invitae), Labcorp
Classification: Uncertain significance for Distal myopathy with posterior leg and anterior hand involvement; Myofibrillar myopathy 5; Hypertrophic cardiomyopathy 26. Last evaluated: 2025-08-01. Review status: criteria provided, single submitter. Criteria: Invitae Variant Classification Sherloc (09022015). Collection method: clinical testing. Allele origin: germline.
Comment: This sequence change replaces aspartic acid, which is acidic and polar, with glutamic acid, which is acidic and polar, at codon 619 of the FLNC protein (p.Asp619Glu). This variant is present in population databases (no rsID available, gnomAD 0.003%). This variant has not been reported in the literature in individuals affected with FLNC-related conditions. ClinVar contains an entry for this variant (Variation ID: 971593). Invitae Evidence Modeling of protein sequence and biophysical properties (such as structural, functional, and spatial information, amino acid conservation, physicochemical variation, residue mobility, and thermodynamic stability) has been performed for this missense variant. However, the output from this modeling did not meet the statistical confidence thresholds required to predict the impact of this variant on FLNC protein function. In summary, the available evidence is currently insufficient to determine the role of this variant in disease. Therefore, it has been classified as a Variant of Uncertain Significance.

NM_001458.5(FLNC):c.1857C>G (p.Asp619Glu)

Gene: FLNC (filamin C; plus strand). Cytogenetic location: 7q32.1.
Variant type: single nucleotide variant.
Coding change: c.1857C>G on transcript NM_001458.5 (MANE Select); coding-DNA position 1857, C replaced by G.
Protein change: p.Asp619Glu; replaces aspartic acid 619 with glutamic acid.
Molecular consequence: missense variant.
Genome position (GRCh38, 1-based): chr7:128,841,213, C>G. VCF-style: chr7-128841213-C-G. GRCh37 (hg19) VCF-style: chr7-128481267-C-G.
Other names: c.1857C>G, p.Asp619Glu (NM_001127487.2); short protein forms D619E.
Identifiers: ClinVar variation 971593 (VCV000971593.9), dbSNP rs771469976, ClinGen allele CA369227226.